The following is an entry in ClinVar:

NM_014370.4(SRPK3):c.893C>T (p.Ala298Val)

Gene: SRPK3 (SRSF protein kinase 3; plus strand). Cytogenetic location: Xq28.
Variant type: single nucleotide variant.
Coding change: c.893C>T on transcript NM_014370.4 (MANE Select); coding-DNA position 893, C replaced by T.
Protein change: p.Ala298Val; replaces alanine 298 with valine.
Molecular consequence: missense variant.
Genome position (GRCh38, 1-based): chrX:153,783,870, C>T. VCF-style: chrX-153783870-C-T. GRCh37 (hg19) VCF-style: chrX-153049325-C-T.
Other names: c.890C>T, p.Ala297Val (NM_001170760.2, NM_001170761.2); short protein forms A297V, A298V.
Identifiers: ClinVar variation 3600651 (VCV003600651.1).

ClinVar aggregate classification (germline): Uncertain significance (1 of 4 stars; one submission).

gnomAD v4.1: 9 of 1,189,996 alleles (0.00076%); highest among the groups gnomAD compares: African/African-American, 0.014%; no homozygotes.

Submission:

GeneDx
Classification: Uncertain significance. Last evaluated: 2023-08-22. Review status: criteria provided, single submitter. Criteria: GeneDx Variant Classification Process June 2021. Collection method: clinical testing. Allele origin: germline. Affected: yes.
Comment: In silico analysis supports that this missense variant does not alter protein structure/function; Has not been previously published as pathogenic or benign to our knowledge; Variants in candidate genes are classified as variants of uncertain significance in accordance with ACMG guidelines (Richards et al., 2015)